The following is an entry in ClinVar:

ClinVar aggregate classification (germline): Uncertain significance. Review status: criteria provided, multiple submitters, no conflicts (2 of 4 stars). 2 submissions from 2 submitters: Uncertain significance (2). Last evaluated 2024-09-22.

Conditions:
Severe intellectual disability-poor language-strabismus-grimacing face-long fingers syndrome (GAND). Also called: GAND SYNDROME. Identifiers: Orphanet 363686, MedGen C3554448, MONDO:0014034, OMIM 615074.

Allele frequency attached by ClinVar (database versions not stated): gnomAD exomes below 0.00001.
gnomAD v4.1: 1 of 1,611,322 alleles (0.000062%); highest among the groups gnomAD compares: Non-Finnish European, 0.000085%; no homozygotes.

Submissions (2):

Genomic Medicine Center of Excellence, King Faisal Specialist Hospital and Research Centre
Classification: Uncertain significance for Severe intellectual disability-poor language-strabismus-grimacing face-long fingers syndrome. Last evaluated: 2024-09-22. Review status: criteria provided, single submitter. Criteria: ACMG Guidelines, 2015. Collection method: clinical testing. Allele origin: germline.

Labcorp Genetics (formerly Invitae), Labcorp
Classification: Uncertain significance. Last evaluated: 2022-09-12. Review status: criteria provided, single submitter. Criteria: Invitae Variant Classification Sherloc (09022015). Collection method: clinical testing. Allele origin: germline.
Comment: This variant is not present in population databases (gnomAD no frequency). This sequence change replaces isoleucine, which is neutral and non-polar, with threonine, which is neutral and polar, at codon 126 of the GATAD2B protein (p.Ile126Thr). This variant has not been reported in the literature in individuals affected with GATAD2B-related conditions. In summary, the available evidence is currently insufficient to determine the role of this variant in disease. Therefore, it has been classified as a Variant of Uncertain Significance. Advanced modeling of protein sequence and biophysical properties (such as structural, functional, and spatial information, amino acid conservation, physicochemical variation, residue mobility, and thermodynamic stability) performed at Invitae indicates that this missense variant is expected to disrupt GATAD2B protein function.

NM_020699.4(GATAD2B):c.377T>C (p.Ile126Thr)

Gene: GATAD2B (GATA zinc finger domain containing 2B; minus strand). Cytogenetic location: 1q21.3.
Variant type: single nucleotide variant.
Coding change: c.377T>C on transcript NM_020699.4 (MANE Select); coding-DNA position 377, T replaced by C.
Protein change: p.Ile126Thr; replaces isoleucine 126 with threonine.
Molecular consequence: missense variant.
Genome position (GRCh38, 1-based): chr1:153,819,694, A>G on the plus strand (T>C on the coding strand, the complement: GATAD2B is on the minus strand). VCF-style: chr1-153819694-A-G. GRCh37 (hg19) VCF-style: chr1-153792170-A-G.
Other names: short protein forms I126T.
Identifiers: ClinVar variation 2001158 (VCV002001158.5), dbSNP rs2525261541, ClinGen allele CA342535682.